The following is an entry in ClinVar:

ClinVar aggregate classification (germline): Uncertain significance. Review status: criteria provided, multiple submitters, no conflicts (2 of 4 stars). 2 submissions from 2 submitters: Uncertain significance (2). Last evaluated 2025-05-11.

Conditions:
Emery-Dreifuss muscular dystrophy 4, autosomal dominant (EDMD4). Also called: EMERY-DREIFUSS MUSCULAR DYSTROPHY 4 WITH VARIABLE FEATURES. Identifiers: Orphanet 261, MedGen C2751807, MONDO:0013071, OMIM 612998.
Autosomal recessive ataxia, Beauce type. Also called: Spinocerebellar ataxia, autosomal recessive 8; ATAXIA, RECESSIVE, OF BEAUCE; SYNE1-Related Autosomal Recessive Cerebellar Ataxia; SYNE1 Deficiency. Identifiers: Orphanet 88644, MedGen C1853116, MONDO:0012549, OMIM 610743.

Allele frequency attached by ClinVar (database versions not stated): gnomAD exomes below 0.00001 and 0.00001; gnomAD 0.00001; ExAC 0.00002; TOPMed 0.00003; ESP Exome Variant Server 0.00008.
gnomAD v4.1: 5 of 1,612,416 alleles (0.00031%); highest among the groups gnomAD compares: South Asian, 0.0022%; no homozygotes.

Submissions (2):

Mayo Clinic Laboratories, Mayo Clinic
Classification: Uncertain significance. Last evaluated: 2025-05-11. Review status: criteria provided, single submitter. Criteria: ACMG Guidelines, 2015. Collection method: clinical testing. Allele origin: germline. Observed: 1 variant allele.
Comment: PP3

Labcorp Genetics (formerly Invitae), Labcorp
Classification: Uncertain significance for Emery-Dreifuss muscular dystrophy 4, autosomal dominant; Autosomal recessive ataxia, Beauce type. Last evaluated: 2021-07-13. Review status: criteria provided, single submitter. Criteria: Invitae Variant Classification Sherloc (09022015). Collection method: clinical testing. Allele origin: germline.
Comment: In summary, the available evidence is currently insufficient to determine the role of this variant in disease. Therefore, it has been classified as a Variant of Uncertain Significance. This sequence change replaces arginine with glycine at codon 362 of the SYNE1 protein (p.Arg362Gly). The arginine residue is highly conserved and there is a moderate physicochemical difference between arginine and glycine. This variant is present in population databases (rs149532009, ExAC 0.01%). This variant has not been reported in the literature in individuals with SYNE1-related conditions. Algorithms developed to predict the effect of missense changes on protein structure and function are either unavailable or do not agree on the potential impact of this missense change (SIFT: "Deleterious"; PolyPhen-2: "Possibly Damaging"; Align-GVGD: "Class C0").

NM_182961.4(SYNE1):c.1063A>G (p.Arg355Gly)

Gene: SYNE1 (spectrin repeat containing nuclear envelope protein 1; minus strand). Cytogenetic location: 6q25.2.
Variant type: single nucleotide variant.
Coding change: c.1063A>G on transcript NM_182961.4 (MANE Select); coding-DNA position 1063, A replaced by G.
Protein change: p.Arg355Gly; replaces arginine 355 with glycine.
Molecular consequence: missense variant.
Genome position (GRCh38, 1-based): chr6:152,484,957, T>C on the plus strand (A>G on the coding strand, the complement: SYNE1 is on the minus strand). VCF-style: chr6-152484957-T-C. GRCh37 (hg19) VCF-style: chr6-152806092-T-C.
Other names: p.Arg362Gly; c.1084A>G, p.Arg362Gly (NM_033071.5); short protein forms R355G, R362G.
Identifiers: ClinVar variation 943811 (VCV000943811.9), dbSNP rs149532009, ClinGen allele CA4059522.
Genomic context (GRCh38, chr6:152,484,957, plus strand): 5'-CTCTGTGTAATGGTTGTATTAAATGTTCAATCTGTTTCCTCTTCATTTCATATTGAACTC[T>C]GAAGTGCTTAAATGACTAAAAGAGGAAAAACAGCAACAGTATGGCAATGAGTCAAAAAAA-3'
Protein context (NP_892006.3, residues 345-365): QDKYQSFKHF[Arg355Gly]VQYEMKRKQI